The following is an entry in ClinVar:

NM_000271.5(NPC1):c.3100G>C (p.Gly1034Arg)

Gene: NPC1 (NPC intracellular cholesterol transporter 1; minus strand). Cytogenetic location: 18q11.2.
Variant type: single nucleotide variant.
Coding change: c.3100G>C on transcript NM_000271.5 (MANE Select); coding-DNA position 3100, G replaced by C.
Protein change: p.Gly1034Arg; replaces glycine 1034 with arginine.
Molecular consequence: missense variant.
Genome position (GRCh38, 1-based): chr18:23,536,818, C>G on the plus strand (G>C on the coding strand, the complement: NPC1 is on the minus strand). VCF-style: chr18-23536818-C-G. GRCh37 (hg19) VCF-style: chr18-21116782-C-G.
Other names: c.3100G>C (NM_000271.4); short protein forms G1034R.
Identifiers: ClinVar variation 1918189 (VCV001918189.8), dbSNP rs2058637844, ClinGen allele CA401791941.
Genomic context (GRCh38, chr18:23,536,818, plus strand): 5'-CGTCAATAAAGTCAGCAGAGGTCTGCAGCACGGTGTGGTAGGTCATGAAGTACGTGGCTC[C>G]GACCCTGGTGCCATGGCCAAGGAGGATGTTAACTGCAGAACTATAGGCAGCATGTCCCCT-3'
Protein context (NP_000262.2, residues 1024-1044): NILLGHGTRV[Gly1034Arg]ATYFMTYHTV

ClinVar aggregate classification (germline): Pathogenic/Likely pathogenic. Review status: criteria provided, multiple submitters, no conflicts (2 of 4 stars). 3 submissions from 3 submitters: Pathogenic (1); Likely pathogenic (2). Last evaluated 2024-10-17.

Conditions:
Niemann-Pick disease, type C (NPC). Identifiers: Orphanet 646, MedGen C0220756, MONDO:0018982.
Niemann-Pick disease, type C1. Also called: NIEMANN-PICK DISEASE, VARIANT TYPE C1; NEUROVISCERAL STORAGE DISEASE WITH VERTICAL SUPRANUCLEAR OPHTHALMOPLEGIA; NIEMANN-PICK DISEASE WITH CHOLESTEROL ESTERIFICATION BLOCK; NIEMANN-PICK DISEASE WITHOUT SPHINGOMYELINASE DEFICIENCY; NIEMANN-PICK DISEASE, CHRONIC NEURONOPATHIC FORM. Identifiers: Orphanet 646, MedGen C3179455, MONDO:0009757, OMIM 257220.

Submissions (3):

Natera, Inc.
Classification: Likely pathogenic for Niemann-Pick disease type C1. Last evaluated: 2024-10-17. Review status: criteria provided, single submitter. Criteria: Natera Variant Classification Schema (03/2026). Collection method: clinical testing. Allele origin: germline.
Comment: The c.3100G>C variant in NPC1 is a missense variant predicted to cause substitution of glycine to arginine at amino acid 1034. This variant is rare in the general population with a frequency below the threshold expected for the associated phenotype(s). This variant has been observed in one or more individuals affected with the associated recessive disease, as either homozygous or compound heterozygous with a second variant (PMID: 38131230). Another variant at this same site results in an alteration predicted to cause a similar molecular effect has been observed in individual(s) with the associated phenotype. Computational prediction algorithms indicate this variant is likely to affect gene or protein function. Given the available evidence, this variant is classified as Likely Pathogenic.

Labcorp Genetics (formerly Invitae), Labcorp
Classification: Pathogenic for Niemann-Pick disease, type C1. Last evaluated: 2024-05-20. Review status: criteria provided, single submitter. Criteria: Invitae Variant Classification Sherloc (09022015). Collection method: clinical testing. Allele origin: germline.
Comment: This sequence change replaces glycine, which is neutral and non-polar, with arginine, which is basic and polar, at codon 1034 of the NPC1 protein (p.Gly1034Arg). This variant is not present in population databases (gnomAD no frequency). This missense change has been observed in individual(s) with Niemann-Pick type C (PMID: 31743419, 35086560). In at least one individual the data is consistent with being in trans (on the opposite chromosome) from a pathogenic variant. ClinVar contains an entry for this variant (Variation ID: 1918189). Advanced modeling of protein sequence and biophysical properties (such as structural, functional, and spatial information, amino acid conservation, physicochemical variation, residue mobility, and thermodynamic stability) performed at Invitae indicates that this missense variant is expected to disrupt NPC1 protein function with a positive predictive value of 95%. For these reasons, this variant has been classified as Pathogenic.

Women's Health and Genetics/Laboratory Corporation of America, LabCorp
Classification: Likely pathogenic for Niemann-Pick disease, type C. Last evaluated: 2024-03-15. Review status: criteria provided, single submitter. Criteria: LabCorp Variant Classification Summary - May 2015. Collection method: clinical testing. Allele origin: germline.
Comment: Variant summary: NPC1 c.3100G>C (p.Gly1034Arg) results in a non-conservative amino acid change in the encoded protein sequence. Four of five in-silico tools predict a damaging effect of the variant on protein function. The variant was absent in 251442 control chromosomes. c.3100G>C has been reported in the literature in individuals affected with Niemann-Pick Disease Type C (Guan_2020). Additionally, another missense variant resulting in the same amino acid change (c.3100G>A, p.Gly1034Arg) has been observed in several individuals with Niemann Pick Disease (PMID: 15774455, 35086560). To our knowledge, no experimental evidence demonstrating an impact on protein function has been reported. The following publication have been ascertained in the context of this evaluation (PMID: 31743419). ClinVar contains an entry for this variant (Variation ID: 1918189). Based on the evidence outlined above, the variant was classified as likely pathogenic.

Literature cited by the submitters: PubMed 38131230 (cited by Natera, Inc.); PubMed 31743419 (cited by Labcorp Genetics (formerly Invitae), Labcorp and Women's Health and Genetics/Laboratory Corporation of America, LabCorp); PubMed 35086560 (cited by Labcorp Genetics (formerly Invitae), Labcorp).